The following is an entry in ClinVar:

NM_001035.3(RYR2):c.1888C>A (p.His630Asn)

Gene: RYR2 (ryanodine receptor 2; plus strand). Cytogenetic location: 1q43.
Variant type: single nucleotide variant.
Coding change: c.1888C>A on transcript NM_001035.3 (MANE Select); coding-DNA position 1888, C replaced by A.
Protein change: p.His630Asn; replaces histidine 630 with asparagine.
Molecular consequence: missense variant.
Genome position (GRCh38, 1-based): chr1:237,493,014, C>A. VCF-style: chr1-237493014-C-A. GRCh37 (hg19) VCF-style: chr1-237656314-C-A.
Other names: short protein forms H630N.
Identifiers: ClinVar variation 934477 (VCV000934477.13), dbSNP rs1195734687, ClinGen allele CA345389494.
Genomic context (GRCh38, chr1:237,493,014, plus strand): 5'-GTTCTGGATGTCTTGTGCTCACTCTGTGTTTGCCACGGGGTTGCAGTCCGTTCTAACCAG[C>A]ATCTCATCTGTGACAATCTCCTACCAGGAAGAGACTTGTTATTGCAGACACGTCTTGTGA-3'
Protein context (NP_001026.2, residues 620-640): CHGVAVRSNQ[His630Asn]LICDNLLPGR

ClinVar aggregate classification (germline): Conflicting classifications of pathogenicity. Review status: criteria provided, conflicting classifications (1 of 4 stars). 2 submissions from 2 submitters: Uncertain significance (1); Likely benign (1). Last evaluated 2022-08-15.

Conditions:
Cardiovascular phenotype. Identifiers: MedGen CN230736.
Catecholaminergic polymorphic ventricular tachycardia 1. Also called: RYR2-Related Catecholaminergic Polymorphic Ventricular Tachycardia; VENTRICULAR TACHYCARDIA, CATECHOLAMINERGIC POLYMORPHIC, 1, WITH OR WITHOUT ATRIAL DYSFUNCTION AND/OR DILATED CARDIOMYOPATHY; VENTRICULAR TACHYCARDIA, STRESS-INDUCED POLYMORPHIC 1. Identifiers: Orphanet 3286, MedGen C1631597, MONDO:0011484, OMIM 604772.

Allele frequency attached by ClinVar (database versions not stated): TOPMed 0.00001.
gnomAD v4.1: 2 of 1,612,016 alleles (0.00012%); highest among the groups gnomAD compares: African/African-American, 0.0027%; no homozygotes.

Submissions (2):

Labcorp Genetics (formerly Invitae), Labcorp
Classification: Likely benign for Catecholaminergic polymorphic ventricular tachycardia 1. Last evaluated: 2022-08-15. Review status: criteria provided, single submitter. Criteria: Invitae Variant Classification Sherloc (09022015). Collection method: clinical testing. Allele origin: germline.

Ambry Genetics
Classification: Uncertain significance for Cardiovascular phenotype. Last evaluated: 2021-11-08. Review status: criteria provided, single submitter. Criteria: Ambry Variant Classification Scheme 2023. Collection method: clinical testing. Allele origin: germline.
Comment: The p.H630N variant (also known as c.1888C>A), located in coding exon 19 of the RYR2 gene, results from a C to A substitution at nucleotide position 1888. The histidine at codon 630 is replaced by asparagine, an amino acid with similar properties. This amino acid position is well conserved in available vertebrate species. In addition, the in silico prediction for this alteration is inconclusive. Since supporting evidence is limited at this time, the clinical significance of this alteration remains unclear.